The following is an entry in ClinVar:

NM_025114.4(CEP290):c.2628A>G (p.Lys876=)

Gene: CEP290 (centrosomal protein 290; minus strand). Cytogenetic location: 12q21.32.
Variant type: single nucleotide variant.
Coding change: c.2628A>G on transcript NM_025114.4 (MANE Select); coding-DNA position 2628, A replaced by G.
Protein change: p.Lys876=; no amino-acid change (lysine 876 retained).
Molecular consequence: synonymous variant.
Genome position (GRCh38, 1-based): chr12:88,106,864, T>C on the plus strand (A>G on the coding strand, the complement: CEP290 is on the minus strand). VCF-style: chr12-88106864-T-C. GRCh37 (hg19) VCF-style: chr12-88500641-T-C.
Identifiers: ClinVar variation 4995175 (VCV004995175.1).

ClinVar aggregate classification (germline): Likely benign (1 of 4 stars; one submission).

Conditions:
CEP290-related disorder. Also called: CEP290-related condition; CEP290-related disorders. Identifiers: MedGen CN239314.

Submission:

PreventionGenetics, part of Exact Sciences
Classification: Likely benign for CEP290-related condition. Last evaluated: 2026-08-19. Review status: criteria provided, single submitter. Criteria: ACMG Guidelines, 2015. Collection method: clinical testing. Allele origin: germline.
Comment: This variant is classified as likely benign based on ACMG/AMP sequence variant interpretation guidelines (Richards et al. 2015 PMID: 25741868, with internal and published modifications).